The following is an entry in ClinVar:

NM_000051.4(ATM):c.7307+1G>A

Genes: ATM (ATM serine/threonine kinase; plus strand), C11orf65 (chromosome 11 open reading frame 65; minus strand). Cytogenetic location: 11q22.3.
Variant type: single nucleotide variant.
Coding change: c.7307+1G>A on transcript NM_000051.4 (MANE Select); the canonical splice donor site of the intron after coding-DNA position 7307, G replaced by A.
Molecular consequence: splice donor variant. On other transcripts: intron variant (2).
Genome position (GRCh38, 1-based): chr11:108,329,239, G>A. VCF-style: chr11-108329239-G-A. GRCh37 (hg19) VCF-style: chr11-108199966-G-A.
Other names: c.7307+1G>A (NM_001351834.2); c.641-20168C>T (NM_001330368.2); c.*38+5981C>T (NM_001351110.2).
Identifiers: ClinVar variation 1066672 (VCV001066672.13), dbSNP rs2086003529, ClinGen allele CA382559849.

ClinVar aggregate classification (germline): Pathogenic/Likely pathogenic. Review status: criteria provided, multiple submitters, no conflicts (2 of 4 stars). 5 submissions from 5 submitters: Pathogenic (4); Likely pathogenic (1). Last evaluated 2025-10-01.

Conditions:
Hereditary cancer-predisposing syndrome. Also called: Neoplastic Syndromes, Hereditary; Tumor predisposition; Hereditary Cancer Syndrome; Hereditary neoplastic syndrome. Identifiers: Orphanet 140162, MedGen C0027672, MeSH D009386, MONDO:0015356.
Familial cancer of breast. Also called: Hereditary breast cancer; hereditary breast carcinoma; BREAST CANCER, FAMILIAL. Identifiers: Orphanet 227535, MedGen C0346153, MONDO:0016419, OMIM 114480. Disease mechanism: loss of function.
Ataxia-telangiectasia syndrome (AT). Also called: Ataxia telangiectasia (A-T); ATAXIA-TELANGIECTASIA, COMPLEMENTATION GROUP A; ATAXIA-TELANGIECTASIA, FRESNO VARIANT; Ataxia-telangiectasia; Ataxia-telangiectasia, complementation group E; LOUIS-BAR SYNDROME. Identifiers: Orphanet 100, MedGen C0004135, MONDO:0008840, OMIM 208900.

Submissions (5):

Labcorp Genetics (formerly Invitae), Labcorp
Classification: Pathogenic for Ataxia-telangiectasia syndrome. Last evaluated: 2025-10-01. Review status: criteria provided, single submitter. Criteria: Invitae Variant Classification Sherloc (09022015). Collection method: clinical testing. Allele origin: germline.
Comment: This sequence change affects a donor splice site in intron 49 of the ATM gene. It is expected to disrupt RNA splicing. Variants that disrupt the donor or acceptor splice site typically lead to a loss of protein function (PMID: 16199547), and loss-of-function variants in ATM are known to be pathogenic (PMID: 23807571, 25614872). This variant is not present in population databases (gnomAD no frequency). Disruption of this splice site has been observed in individual(s) with ataxia-telangiectasia (PMID: 15880721, 21833744). ClinVar contains an entry for this variant (Variation ID: 1066672). Algorithms developed to predict the effect of sequence changes on RNA splicing suggest that this variant may disrupt the consensus splice site. For these reasons, this variant has been classified as Pathogenic.

Women's Health and Genetics/Laboratory Corporation of America, LabCorp
Classification: Pathogenic for Ataxia-telangiectasia syndrome. Last evaluated: 2024-11-22. Review status: criteria provided, single submitter. Criteria: LabCorp Variant Classification Summary - May 2015. Collection method: clinical testing. Allele origin: germline.
Comment: Variant summary: ATM c.7307+1G>A is located in a canonical splice-site and is predicted to affect mRNA splicing resulting in a significantly altered protein due to either exon skipping, shortening, or inclusion of intronic material. Variants that disrupt the consensus splice site are a relatively common cause of aberrant splicing and loss of ATM function. Several computational tools predict a significant impact on normal splicing: Four predict the variant abolishes a 5' splicing donor site. At least one publication reported experimental evidence confirming that this variant affects mRNA splicing (Bueno-Martinez_2022). The variant was absent in 248522 control chromosomes (gnomAD). c.7307+1G>A has been reported in the literature in multiple compound heterozygous individuals affected with Ataxia-Telangiectasia (e.g. Birrell_2005, Soukupova_2011). The following publications have been ascertained in the context of this evaluation (PMID: 15880721, 21833744, 35716007). ClinVar contains an entry for this variant (Variation ID: 1066672). Based on the evidence outlined above, the variant was classified as pathogenic.

Myriad Genetics, Inc.
Classification: Likely pathogenic for Familial cancer of breast. Last evaluated: 2024-01-31. Review status: criteria provided, single submitter. Criteria: Myriad Autosomal Dominant, Autosomal Recessive and X-Linked Classification Criteria (2023). Collection method: clinical testing. Allele origin: unknown.
Comment: This variant is considered likely pathogenic. This variant occurs within a consensus splice junction and is predicted to result in abnormal mRNA splicing of either an out-of-frame exon or an in-frame exon necessary for protein stability and/or normal function.

Baylor Genetics
Classification: Pathogenic for Familial cancer of breast. Last evaluated: 2023-07-17. Review status: criteria provided, single submitter. Criteria: ACMG Guidelines, 2015. Collection method: clinical testing. Allele origin: unknown.

Ambry Genetics
Classification: Pathogenic for Hereditary cancer-predisposing syndrome. Last evaluated: 2023-06-20. Review status: criteria provided, single submitter. Criteria: Ambry Variant Classification Scheme 2023. Collection method: clinical testing. Allele origin: germline.
Comment: The c.7307+1G>A intronic pathogenic mutation results from a G to A substitution one nucleotide after coding exon 48 of the ATM gene. This alteration has been identified in the compound heterozygous state with a second ATM mutation in an individual diagnosed with ataxia-telangiectasia (AT) (Birrell GW et al. Hum. Mutat., 2005 Jun;25:593). This nucleotide position is highly conserved in available vertebrate species. In silico splice site analysis predicts that this alteration will weaken the native splice donor site. RNA studies have demonstrated that this alteration results in abnormal splicing in the set of samples tested (Ambry internal data). Alterations that disrupt the canonical splice site are expected to cause aberrant splicing, resulting in an abnormal protein or a transcript that is subject to nonsense-mediated mRNA decay. Based on the supporting evidence, this alteration is interpreted as a disease-causing mutation.

Literature cited by the submitters: PubMed 16199547 (cited by Labcorp Genetics (formerly Invitae), Labcorp); PubMed 23807571 (cited by Labcorp Genetics (formerly Invitae), Labcorp); PubMed 25614872 (cited by Labcorp Genetics (formerly Invitae), Labcorp); PubMed 15880721 (cited by 3 submitters); PubMed 21833744 (cited by Labcorp Genetics (formerly Invitae), Labcorp and Women's Health and Genetics/Laboratory Corporation of America, LabCorp); PubMed 35716007 (cited by Women's Health and Genetics/Laboratory Corporation of America, LabCorp).